The following is an entry in ClinVar:

NM_133433.4(NIPBL):c.737A>G (p.Asp246Gly)

Gene: NIPBL (NIPBL cohesin loading factor; plus strand). Cytogenetic location: 5p13.2.
Variant type: single nucleotide variant.
Coding change: c.737A>G on transcript NM_133433.4 (MANE Select); coding-DNA position 737, A replaced by G.
Protein change: p.Asp246Gly; replaces aspartic acid 246 with glycine.
Molecular consequence: missense variant.
Genome position (GRCh38, 1-based): chr5:36,971,002, A>G. VCF-style: chr5-36971002-A-G. GRCh37 (hg19) VCF-style: chr5-36971104-A-G.
Other names: c.737A>G, p.Asp246Gly (NM_015384.5); short protein forms D246G.
Identifiers: ClinVar variation 159229 (VCV000159229.7), dbSNP rs587784042, ClinGen allele CA272305.

ClinVar aggregate classification (germline): Conflicting classifications of pathogenicity. Review status: criteria provided, conflicting classifications (1 of 4 stars). 2 submissions from 2 submitters: Pathogenic (1); Uncertain significance (1). Last evaluated 2023-05-02.

Conditions:
NIPBL-related disorder. Also called: NIPBL-related condition.
Cornelia de Lange syndrome 1 (CDLS1). Also called: Brachmann de Lange syndrome; NIPBL-Related Cornelia de Lange Syndrome; TYPUS DEGENERATIVUS AMSTELODAMENSIS. Identifiers: Orphanet 199, MedGen C4551851, MONDO:0007387, OMIM 122470.

Submissions (2):

PreventionGenetics, part of Exact Sciences
Classification: Uncertain significance for NIPBL-related condition. Last evaluated: 2023-05-02. Review status: criteria provided, single submitter. Criteria: ACMG Guidelines, 2015. Collection method: clinical testing. Allele origin: germline.
Comment: The NIPBL c.737A>G variant is predicted to result in the amino acid substitution p.Asp246Gly. This variant has been previously reported as a de novo variant in an individual with Cornelia de Lange syndrome (Yan et al. 2006. PubMed ID: 16770807; Braunholz et al. 2012. PubMed ID: 21934712). This variant has not been reported in a large population database, indicating this variant is rare. Although we suspect that this variant may be pathogenic, at this time, the clinical significance of this variant is uncertain due to the absence of conclusive functional and genetic evidence.

Genetic Services Laboratory, University of Chicago
Classification: Pathogenic for Cornelia de Lange syndrome 1. Last evaluated: 2013-02-08. Review status: criteria provided, single submitter. Criteria: ACMG Guidelines, 2007. Collection method: clinical testing. Allele origin: germline. Inheritance: Autosomal dominant inheritance. Affected: yes.